The following is an entry in ClinVar:

ClinVar aggregate classification (germline): Uncertain significance (1 of 4 stars; one submission).

Allele frequency attached by ClinVar (database versions not stated): gnomAD exomes below 0.00001.
gnomAD v4.1: 3 of 1,614,168 alleles (0.00019%); highest among the groups gnomAD compares: Non-Finnish European, 0.00025%; no homozygotes.

Submission:

Labcorp Genetics (formerly Invitae), Labcorp
Classification: Uncertain significance. Last evaluated: 2023-07-17. Review status: criteria provided, single submitter. Criteria: Invitae Variant Classification Sherloc (09022015). Collection method: clinical testing. Allele origin: germline.
Comment: In summary, the available evidence is currently insufficient to determine the role of this variant in disease. Therefore, it has been classified as a Variant of Uncertain Significance. Advanced modeling of protein sequence and biophysical properties (such as structural, functional, and spatial information, amino acid conservation, physicochemical variation, residue mobility, and thermodynamic stability) performed at Invitae indicates that this missense variant is not expected to disrupt ATP1A1 protein function. This variant has not been reported in the literature in individuals affected with ATP1A1-related conditions. This variant is not present in population databases (gnomAD no frequency). This sequence change replaces alanine, which is neutral and non-polar, with threonine, which is neutral and polar, at codon 243 of the ATP1A1 protein (p.Ala243Thr).

NM_000701.8(ATP1A1):c.727G>A (p.Ala243Thr)

Gene: ATP1A1 (ATPase Na+/K+ transporting subunit alpha 1; plus strand). Cytogenetic location: 1p13.1.
Variant type: single nucleotide variant.
Coding change: c.727G>A on transcript NM_000701.8 (MANE Select); coding-DNA position 727, G replaced by A.
Protein change: p.Ala243Thr; replaces alanine 243 with threonine.
Molecular consequence: missense variant.
Genome position (GRCh38, 1-based): chr1:116,388,992, G>A. VCF-style: chr1-116388992-G-A. GRCh37 (hg19) VCF-style: chr1-116931614-G-A.
Other names: c.727G>A, p.Ala243Thr (NM_001160233.2); c.634G>A, p.Ala212Thr (NM_001160234.2); short protein forms A212T, A243T.
Identifiers: ClinVar variation 2908433 (VCV002908433.3), dbSNP rs2525831581, ClinGen allele CA341843071.